The following is an entry in ClinVar:

ClinVar aggregate classification (germline): Uncertain significance. Review status: criteria provided, multiple submitters, no conflicts (2 of 4 stars). 2 submissions from 2 submitters: Uncertain significance (2). Last evaluated 2025-11-03.

gnomAD v4.1: 9 of 1,607,460 alleles (0.00056%); highest among the groups gnomAD compares: Admixed American, 0.0033%; no homozygotes.

Submissions (2):

Ambry Genetics
Classification: Uncertain significance. Last evaluated: 2025-11-03. Review status: criteria provided, single submitter. Criteria: Ambry Variant Classification Scheme 2023. Collection method: clinical testing. Allele origin: germline.

Labcorp Genetics (formerly Invitae), Labcorp
Classification: Uncertain significance. Last evaluated: 2024-08-08. Review status: criteria provided, single submitter. Criteria: Invitae Variant Classification Sherloc (09022015). Collection method: clinical testing. Allele origin: germline.
Comment: This sequence change replaces serine, which is neutral and polar, with threonine, which is neutral and polar, at codon 8 of the ARHGEF1 protein (p.Ser8Thr). This variant is present in population databases (no rsID available, gnomAD 0.003%). This variant has not been reported in the literature in individuals affected with ARHGEF1-related conditions. An algorithm developed to predict the effect of missense changes on protein structure and function (PolyPhen-2) suggests that this variant is likely to be tolerated. In summary, the available evidence is currently insufficient to determine the role of this variant in disease. Therefore, it has been classified as a Variant of Uncertain Significance.

NM_004706.4(ARHGEF1):c.-20+1201G>C

Gene: ARHGEF1 (Rho guanine nucleotide exchange factor 1; plus strand). Cytogenetic location: 19q13.2.
Variant type: single nucleotide variant.
Coding change: c.-20+1201G>C on transcript NM_004706.4 (MANE Select); 1201 bases into the intron after 20 bases upstream of the start codon, G replaced by C.
Molecular consequence: intron variant. On other transcripts: missense variant (1), non-coding transcript variant (1).
Genome position (GRCh38, 1-based): chr19:41,884,490, G>C. VCF-style: chr19-41884490-G-C. GRCh37 (hg19) VCF-style: chr19-42388557-G-C.
Other names: c.23G>C, p.Ser8Thr (NM_199002.2); c.-20+1201G>C (NM_001396003.1, NM_001396002.1, NM_001396000.1 and 3 more transcripts); c.23G>C (NM_199002.1); short protein forms S8T.
Identifiers: ClinVar variation 3624827 (VCV003624827.3).
Genomic context (GRCh38, chr19:41,884,490, plus strand): 5'-GGAGCCCGAGCGCGGAGGCTTCGGTTCCGGTGGCGGCGATGGCTTCTCTTTCCACCTGGA[G>C]CAGGTGAGGGACGCGGTCCCCAGCGGGTGTCAGACCCTGACTCTGCACGTCCTCCCCGGC-3'